The following is an entry in ClinVar:

ClinVar aggregate classification (germline): Uncertain significance (1 of 4 stars; one submission).

Submission:

Labcorp Genetics (formerly Invitae), Labcorp
Classification: Uncertain significance. Last evaluated: 2024-08-28. Review status: criteria provided, single submitter. Criteria: Invitae Variant Classification Sherloc (09022015). Collection method: clinical testing. Allele origin: germline.
Comment: This sequence change replaces leucine, which is neutral and non-polar, with valine, which is neutral and non-polar, at codon 35 of the TNNI3K protein (p.Leu35Val). The frequency data for this variant in the population databases is considered unreliable, as metrics indicate poor data quality at this position in the gnomAD database. This variant has not been reported in the literature in individuals affected with TNNI3K-related conditions. Invitae Evidence Modeling of protein sequence and biophysical properties (such as structural, functional, and spatial information, amino acid conservation, physicochemical variation, residue mobility, and thermodynamic stability) indicates that this missense variant is not expected to disrupt TNNI3K protein function with a negative predictive value of 80%. In summary, the available evidence is currently insufficient to determine the role of this variant in disease. Therefore, it has been classified as a Variant of Uncertain Significance.

NM_015978.3(TNNI3K):c.103C>G (p.Leu35Val)

Genes: FPGT-TNNI3K (FPGT-TNNI3K readthrough; plus strand), TNNI3K (TNNI3 interacting kinase; plus strand). Cytogenetic location: 1p31.1.
Variant type: single nucleotide variant.
Coding change: c.103C>G on transcript NM_015978.3 (MANE Select); coding-DNA position 103, C replaced by G.
Protein change: p.Leu35Val; replaces leucine 35 with valine.
Molecular consequence: missense variant.
Genome position (GRCh38, 1-based): chr1:74,236,164, C>G. VCF-style: chr1-74236164-C-G. GRCh37 (hg19) VCF-style: chr1-74701848-C-G.
Other names: c.406C>G, p.Leu136Val (NM_001112808.3, NM_001199327.2); short protein forms L35V, L136V.
Identifiers: ClinVar variation 3695169 (VCV003695169.2).
Genomic context (GRCh38, chr1:74,236,164, plus strand): 5'-GAATGGAAGAAAAAAGTCAGTGAATCATATGTTATCACAATAGAAAGATTAGAAGATGAC[C>G]TGCAGATCAAGGAAAAAGAACTGACAGAACTAAGGAATATATTTGGGTAAAGTTGTAAGA-3'
Protein context (NP_057062.1, residues 25-45): VITIERLEDD[Leu35Val]QIKEKELTEL